The following is an entry in ClinVar:

NM_032242.4(PLXNA1):c.3060C>T (p.Ser1020=)

Gene: PLXNA1 (plexin A1; plus strand). Cytogenetic location: 3q21.3.
Variant type: single nucleotide variant.
Coding change: c.3060C>T on transcript NM_032242.4 (MANE Select); coding-DNA position 3060, C replaced by T.
Protein change: p.Ser1020=; no amino-acid change (serine 1020 retained).
Molecular consequence: synonymous variant.
Genome position (GRCh38, 1-based): chr3:127,016,562, C>T. VCF-style: chr3-127016562-C-T. GRCh37 (hg19) VCF-style: chr3-126735405-C-T.
Identifiers: ClinVar variation 4997517 (VCV004997517.1).
Genomic context (GRCh38, chr3:127,016,562, plus strand): 5'-CTCGGGCACCTCCAGGAGGAACTCCCGTGAGATCCGGTGCCTGACACCCCCCGGGCAGAG[C>T]CCTGGCAGCGCTCCCATCATCATCAACATCAACCGCGCCCAGCTCACCAACCCTGAGGTG-3'
Protein context (NP_115618.3, residues 1010-1030): EIRCLTPPGQ[Ser1020=]PGSAPIIINI

ClinVar aggregate classification (germline): Likely benign (1 of 4 stars; one submission).

Conditions:
PLXNA1-related disorder. Also called: PLXNA1-related condition.

gnomAD v4.1: 3 of 1,613,950 alleles (0.00019%); highest among the groups gnomAD compares: Non-Finnish European, 0.00025%; no homozygotes.

Submission:

PreventionGenetics, part of Exact Sciences
Classification: Likely benign for PLXNA1-related condition. Last evaluated: 2025-07-21. Review status: criteria provided, single submitter. Criteria: ACMG Guidelines, 2015. Collection method: clinical testing. Allele origin: germline.
Comment: This variant is classified as likely benign based on ACMG/AMP sequence variant interpretation guidelines (Richards et al. 2015 PMID: 25741868, with internal and published modifications).